The following is an entry in ClinVar:

ClinVar aggregate classification (germline): Uncertain significance. Review status: criteria provided, multiple submitters, no conflicts (2 of 4 stars). 2 submissions from 2 submitters: Uncertain significance (2). Last evaluated 2022-01-03.

Conditions:
Hyperlipidemia, familial combined, LPL related (FCHL3). Also called: Hyperapobetalipoproteinemia. Identifiers: MedGen C0020474, MONDO:0007759, OMIM 144250, HP:0008158.

Allele frequency attached by ClinVar (database versions not stated): gnomAD exomes below 0.00001; TOPMed 0.00001.
gnomAD v4.1: 1 of 1,614,122 alleles (0.000062%); highest among the groups gnomAD compares: Non-Finnish European, 0.000085%; no homozygotes.

Submissions (2):

3billion
Classification: Uncertain significance for Hyperlipidemia, familial combined, LPL related. Last evaluated: 2022-01-03. Review status: criteria provided, single submitter. Criteria: ACMG Guidelines, 2015. Collection method: clinical testing. Allele origin: germline. Affected: yes. Observed: 1 heterozygote.
Comment: The variant is not observed in the gnomAD v2.1.1 dataset (PM2_M). In silico tool predictions suggest damaging effect of the variant on gene or gene product (REVEL: 0.804, PP3_P). A missense variant is a common mechanism associated with Combined hyperlipidemia (PP2_P). Therefore, this variant is classified as uncertain significance according to the recommendation of ACMG/AMP guideline.

Labcorp Genetics (formerly Invitae), Labcorp
Classification: Uncertain significance. Last evaluated: 2021-05-17. Review status: criteria provided, single submitter. Criteria: Invitae Variant Classification Sherloc (09022015). Collection method: clinical testing. Allele origin: germline.
Comment: In summary, the available evidence is currently insufficient to determine the role of this variant in disease. Therefore, it has been classified as a Variant of Uncertain Significance. Algorithms developed to predict the effect of missense changes on protein structure and function are either unavailable or do not agree on the potential impact of this missense change (SIFT: "Deleterious"; PolyPhen-2: "Probably Damaging"; Align-GVGD: "Class C0"). This variant has not been reported in the literature in individuals with LPL-related conditions. This variant is not present in population databases (ExAC no frequency). This sequence change replaces serine with proline at codon 124 of the LPL protein (p.Ser124Pro). The serine residue is highly conserved and there is a moderate physicochemical difference between serine and proline.

NM_000237.3(LPL):c.370T>C (p.Ser124Pro)

Gene: LPL (lipoprotein lipase; plus strand). Cytogenetic location: 8p21.3.
Variant type: single nucleotide variant.
Coding change: c.370T>C on transcript NM_000237.3 (MANE Select); coding-DNA position 370, T replaced by C.
Protein change: p.Ser124Pro; replaces serine 124 with proline.
Molecular consequence: missense variant.
Genome position (GRCh38, 1-based): chr8:19,951,889, T>C. VCF-style: chr8-19951889-T-C. GRCh37 (hg19) VCF-style: chr8-19809400-T-C.
Other names: short protein forms S124P.
Identifiers: ClinVar variation 1333456 (VCV001333456.9), dbSNP rs1372437417, ClinGen allele CA370467657.